The following is an entry in ClinVar:

NM_017802.4(DNAAF5):c.11T>C (p.Leu4Pro)

Genes: DNAAF5 (dynein axonemal assembly factor 5; plus strand), PRKAR1B (protein kinase cAMP-dependent type I regulatory subunit beta; minus strand). Cytogenetic location: 7p22.3.
Variant type: single nucleotide variant.
Coding change: c.11T>C on transcript NM_017802.4 (MANE Select); coding-DNA position 11, T replaced by C.
Protein change: p.Leu4Pro; replaces leucine 4 with proline.
Molecular consequence: missense variant. On other transcripts: non-coding transcript variant (1), intron variant (3).
Genome position (GRCh38, 1-based): chr7:726,731, T>C. VCF-style: chr7-726731-T-C. GRCh37 (hg19) VCF-style: chr7-766368-T-C.
Other names: c.-23+924A>G (NM_001164759.1); c.-23+859A>G (NM_001164758.2); c.-23+479A>G (NM_001164760.2); short protein forms L4P.
Identifiers: ClinVar variation 2414686 (VCV002414686.15), dbSNP rs1314198845, ClinGen allele CA366529571.

ClinVar aggregate classification (germline): Conflicting classifications of pathogenicity. Review status: criteria provided, conflicting classifications (1 of 4 stars). 2 submissions from 2 submitters: Uncertain significance (1); Likely benign (1). Last evaluated 2023-07-06.

Conditions:
Primary ciliary dyskinesia. Also called: Ciliary dyskinesia. Identifiers: Orphanet 244, MedGen C0008780, MONDO:0016575, HP:0012265.

Allele frequency attached by ClinVar (database versions not stated): gnomAD 0.00002; TOPMed 0.00003; 1000 Genomes Project 30x 0.00016.
gnomAD v4.1: 8 of 1,239,902 alleles (0.00065%); highest among the groups gnomAD compares: East Asian, 0.016%; no homozygotes.

Submissions (2):

Labcorp Genetics (formerly Invitae), Labcorp
Classification: Uncertain significance for Primary ciliary dyskinesia. Last evaluated: 2023-07-06. Review status: criteria provided, single submitter. Criteria: Invitae Variant Classification Sherloc (09022015). Collection method: clinical testing. Allele origin: germline.
Comment: This sequence change replaces leucine, which is neutral and non-polar, with proline, which is neutral and non-polar, at codon 4 of the DNAAF5 protein (p.Leu4Pro). In summary, the available evidence is currently insufficient to determine the role of this variant in disease. Therefore, it has been classified as a Variant of Uncertain Significance. Algorithms developed to predict the effect of missense changes on protein structure and function output the following: SIFT: "Not Available"; PolyPhen-2: "Not Available"; Align-GVGD: "Not Available". The proline amino acid residue is found in multiple mammalian species, which suggests that this missense change does not adversely affect protein function. ClinVar contains an entry for this variant (Variation ID: 2414686). This variant has not been reported in the literature in individuals affected with DNAAF5-related conditions. This variant is present in population databases (no rsID available, gnomAD 0.01%).

Ambry Genetics
Classification: Likely benign for Primary ciliary dyskinesia. Last evaluated: 2023-05-18. Review status: criteria provided, single submitter. Criteria: Ambry Variant Classification Scheme 2023. Collection method: clinical testing. Allele origin: germline.